The following is an entry in ClinVar:

ClinVar aggregate classification (germline): Uncertain significance (1 of 4 stars; one submission).

Conditions:
Hereditary cancer-predisposing syndrome. Also called: Tumor predisposition; Hereditary neoplastic syndrome; Hereditary Cancer Syndrome; Neoplastic Syndromes, Hereditary. Identifiers: Orphanet 140162, MedGen C0027672, MeSH D009386, MONDO:0015356.

Allele frequency attached by ClinVar (database versions not stated): gnomAD exomes below 0.00001; TOPMed below 0.00001.
gnomAD v4.1: 2 of 1,614,014 alleles (0.00012%); highest among the groups gnomAD compares: East Asian, 0.0022%; no homozygotes.

Submission:

Ambry Genetics
Classification: Uncertain significance for Hereditary cancer-predisposing syndrome. Last evaluated: 2025-07-25. Review status: criteria provided, single submitter. Criteria: Ambry Variant Classification Scheme 2023. Collection method: clinical testing. Allele origin: germline.
Comment: The p.Q533R variant (also known as c.1598A>G), located in coding exon 6 of the BLM gene, results from an A to G substitution at nucleotide position 1598. The glutamine at codon 533 is replaced by arginine, an amino acid with highly similar properties. This amino acid position is conserved. In addition, this alteration is predicted to be tolerated by in silico analysis. Since supporting evidence is limited at this time, the clinical significance of this alteration remains unclear.

NM_000057.4(BLM):c.1598A>G (p.Gln533Arg)

Gene: BLM (BLM RecQ like helicase; plus strand). Cytogenetic location: 15q26.1.
Variant type: single nucleotide variant.
Coding change: c.1598A>G on transcript NM_000057.4 (MANE Select); coding-DNA position 1598, A replaced by G.
Protein change: p.Gln533Arg; replaces glutamine 533 with arginine.
Molecular consequence: missense variant.
Genome position (GRCh38, 1-based): chr15:90,760,971, A>G. VCF-style: chr15-90760971-A-G. GRCh37 (hg19) VCF-style: chr15-91304201-A-G.
Other names: c.1598A>G, p.Gln533Arg (NM_001287246.2, NM_001287247.2); c.473A>G, p.Gln158Arg (NM_001287248.2); short protein forms Q158R, Q533R.
Identifiers: ClinVar variation 3223953 (VCV003223953.2), dbSNP rs1895966817, ClinGen allele CA393843411.